The following is an entry in ClinVar:

ClinVar aggregate classification (germline): Uncertain significance (1 of 4 stars; one submission).

Conditions:
Chédiak-Higashi syndrome (CHS). Also called: Chediak-Higashi Syndrome. Identifiers: Orphanet 167, MedGen C0007965, MONDO:0008963, OMIM 214500.

Allele frequency attached by ClinVar (database versions not stated): gnomAD exomes below 0.00001.
gnomAD v4.1: 1 of 1,613,868 alleles (0.000062%); highest among the groups gnomAD compares: African/African-American, 0.0013%; no homozygotes.

Submission:

Labcorp Genetics (formerly Invitae), Labcorp
Classification: Uncertain significance for Chédiak-Higashi syndrome. Last evaluated: 2024-01-17. Review status: criteria provided, single submitter. Criteria: Invitae Variant Classification Sherloc (09022015). Collection method: clinical testing. Allele origin: germline.
Comment: This sequence change replaces histidine, which is basic and polar, with arginine, which is basic and polar, at codon 764 of the LYST protein (p.His764Arg). This variant is not present in population databases (gnomAD no frequency). This variant has not been reported in the literature in individuals affected with LYST-related conditions. Advanced modeling of protein sequence and biophysical properties (such as structural, functional, and spatial information, amino acid conservation, physicochemical variation, residue mobility, and thermodynamic stability) performed at Invitae indicates that this missense variant is not expected to disrupt LYST protein function with a negative predictive value of 80%. In summary, the available evidence is currently insufficient to determine the role of this variant in disease. Therefore, it has been classified as a Variant of Uncertain Significance.

NM_000081.4(LYST):c.2291A>G (p.His764Arg)

Gene: LYST (lysosomal trafficking regulator; minus strand). Cytogenetic location: 1q42.3.
Variant type: single nucleotide variant.
Coding change: c.2291A>G on transcript NM_000081.4 (MANE Select); coding-DNA position 2291, A replaced by G.
Protein change: p.His764Arg; replaces histidine 764 with arginine.
Molecular consequence: missense variant.
Genome position (GRCh38, 1-based): chr1:235,808,527, T>C on the plus strand (A>G on the coding strand, the complement: LYST is on the minus strand). VCF-style: chr1-235808527-T-C. GRCh37 (hg19) VCF-style: chr1-235971827-T-C.
Other names: c.2291A>G, p.His764Arg (NM_001301365.1); short protein forms H764R.
Identifiers: ClinVar variation 2717478 (VCV002717478.3), dbSNP rs1673116369, ClinGen allele CA344958650.
Genomic context (GRCh38, chr1:235,808,527, plus strand): 5'-AGGATAGGCAGAGTTTTTACATAAATCTGAAGCACGTCCTGAGGCAAGCACTGGTTATGA[T>C]GGCTACATACATGACTTTGAGCTGAAGTAACGCTTAGGTGTTGACAATGATGTGCTAATT-3'
Protein context (NP_000072.2, residues 754-774): VTSAQSHVCS[His764Arg]HNQCLPQDVL